The following is an entry in ClinVar:

NM_001276270.2(MBD4):c.1252A>C (p.Lys418Gln)

Gene: MBD4 (methyl-CpG binding domain 4, DNA glycosylase; minus strand). Cytogenetic location: 3q21.3.
Variant type: single nucleotide variant.
Coding change: c.1252A>C on transcript NM_001276270.2 (MANE Select); coding-DNA position 1252, A replaced by C.
Protein change: p.Lys418Gln; replaces lysine 418 with glutamine.
Molecular consequence: missense variant.
Genome position (GRCh38, 1-based): chr3:129,434,068, T>G on the plus strand (A>C on the coding strand, the complement: MBD4 is on the minus strand). VCF-style: chr3-129434068-T-G. GRCh37 (hg19) VCF-style: chr3-129152911-T-G.
Other names: c.1270A>C, p.Lys424Gln (NM_001276271.2, NM_001276272.2, NM_003925.3); c.316A>C, p.Lys106Gln (NM_001276273.2); short protein forms K106Q, K424Q, K418Q.
Identifiers: ClinVar variation 4825697 (VCV004825697.1).

ClinVar aggregate classification (germline): Uncertain significance (1 of 4 stars; one submission).

Conditions:
Inborn genetic diseases. Identifiers: MedGen C0950123, MeSH D030342.

gnomAD v4.1: 4 of 1,614,144 alleles (0.00025%); highest among the groups gnomAD compares: African/African-American, 0.0053%; no homozygotes.

Submission:

Ambry Genetics
Classification: Uncertain significance for Inborn genetic diseases. Last evaluated: 2026-01-22. Review status: criteria provided, single submitter. Criteria: Ambry Variant Classification Scheme 2023. Collection method: clinical testing. Allele origin: germline.
Comment: The p.K418Q variant (also known as c.1252A>C), located in coding exon 4 of the MBD4 gene, results from an A to C substitution at nucleotide position 1252. The lysine at codon 418 is replaced by glutamine, an amino acid with similar properties. This amino acid position is conserved. In addition, the in silico prediction for this alteration is inconclusive. Based on the available evidence, the clinical significance of this variant remains unclear.